The following is an entry in ClinVar:

NM_000507.4(FBP1):c.426+7C>T

Gene: FBP1 (fructose-bisphosphatase 1; minus strand). Cytogenetic location: 9q22.32.
Variant type: single nucleotide variant.
Coding change: c.426+7C>T on transcript NM_000507.4 (MANE Select); 7 bases into the intron after coding-DNA position 426, C replaced by T.
Molecular consequence: intron variant.
Genome position (GRCh38, 1-based): chr9:94,617,761, G>A on the plus strand (C>T on the coding strand, the complement: FBP1 is on the minus strand). VCF-style: chr9-94617761-G-A. GRCh37 (hg19) VCF-style: chr9-97380043-G-A.
Other names: p.?; c.426+7C>T (NM_001127628.2).
Identifiers: ClinVar variation 256320 (VCV000256320.26), dbSNP rs8192689, ClinGen allele CA5136246.

ClinVar aggregate classification (germline): Benign/Likely benign. Review status: criteria provided, multiple submitters, no conflicts (2 of 4 stars). 10 submissions from 10 submitters: Benign (7); Likely benign (1). 2 of the submissions do not count toward it. Last evaluated 2026-02-04.

Conditions:
Fructose-biphosphatase deficiency (FBP1D). Also called: Fructose-1,6-Bisphosphatase 1 Deficiency; Fructose 1,6 Bisphosphatase Deficiency; Fructose-1,6-Diphosphatase Deficiency. Identifiers: Orphanet 348, MedGen C0016756, MONDO:0009251, OMIM 229700.

Allele frequency attached by ClinVar (database versions not stated): gnomAD 0.31642 and 0.32201; ESP Exome Variant Server 0.31839; TOPMed 0.30582; gnomAD exomes 0.33621 and 0.34309; ExAC 0.34456; 1000 Genomes Project 30x 0.35228; 1000 Genomes Project 0.36002.
gnomAD v4.1: 541,534 of 1,590,510 alleles (34%); highest among the groups gnomAD compares: East Asian, 58%; 95,582 homozygotes.

Submissions (11):

Labcorp Genetics (formerly Invitae), Labcorp
Classification: Benign for Fructose-biphosphatase deficiency. Last evaluated: 2026-02-04. Review status: criteria provided, single submitter. Criteria: Invitae Variant Classification Sherloc (09022015). Collection method: clinical testing. Allele origin: germline.

Blueprint Genetics
Classification: Likely benign. Last evaluated: 2024-11-27. Review status: criteria provided, single submitter. Criteria: ACMG Guidelines, 2015. Collection method: clinical testing. Allele origin: germline.

Mayo Clinic Laboratories, Mayo Clinic
Classification: Benign. Last evaluated: 2022-05-05. Review status: criteria provided, single submitter. Criteria: ACMG Guidelines, 2015. Collection method: clinical testing. Allele origin: germline. Observed: 525 variant alleles.

Genome-Nilou Lab
Classification: Benign for Fructose-biphosphatase deficiency. Last evaluated: 2021-08-10. Review status: criteria provided, single submitter. Criteria: ACMG Guidelines, 2015. Collection method: clinical testing. Allele origin: germline. Affected: no.

Illumina Laboratory Services, Illumina
Classification: Benign for Fructose-biphosphatase deficiency. Last evaluated: 2018-01-13. Review status: criteria provided, single submitter. Criteria: ICSL Variant Classification Criteria 13 December 2019. Collection method: clinical testing. Allele origin: germline.
Comment: This variant was observed in the ICSL laboratory as part of a predisposition screen in an ostensibly healthy population. It had not been previously curated by ICSL or reported in the Human Gene Mutation Database (HGMD: prior to June 1st, 2018), and was therefore a candidate for classification through an automated scoring system. Utilizing variant allele frequency, disease prevalence and penetrance estimates, and inheritance mode, an automated score was calculated to assess if this variant is too frequent to cause the disease. Based on the score and internal cut-off values, a variant classified as benign is not then subjected to further curation. The score for this variant resulted in a classification of benign for this disease.

GeneDx
Classification: Benign. Last evaluated: 2015-03-03. Review status: criteria provided, single submitter. Criteria: GeneDx Variant Classification Process June 2021. Collection method: clinical testing. Allele origin: germline. Affected: yes.

PreventionGenetics, part of Exact Sciences
Classification: Benign. Last evaluated: 2012-08-30. Review status: criteria provided, single submitter. Criteria: ACMG Guidelines, 2015. Collection method: clinical testing. Allele origin: germline.

Breakthrough Genomics
Classification: Benign. Review status: criteria provided, single submitter. Criteria: ACMG Guidelines, 2015. Collection method: not provided. Allele origin: germline. Inheritance: Autosomal recessive inheritance. Affected: yes.

Diagnostic Laboratory, Department of Genetics, University Medical Center Groningen
Classification: Benign. Review status: no assertion criteria provided. Collection method: clinical testing. Allele origin: germline. Affected: yes. Study: VKGL Data-share Consensus. Not counted in ClinVar's aggregate classification.

Dr. Peter K. Rogan Lab, Western University
No classification provided (evidence only). Condition: Familial cancer of breast. Review status: no classification provided. Collection method: in vitro. Allele origin: not applicable. Functional consequence: retained intron. Not counted in ClinVar's aggregate classification.

Joint Genome Diagnostic Labs from Nijmegen and Maastricht, Radboudumc and MUMC+
Classification: Benign. Review status: no assertion criteria provided. Collection method: clinical testing. Allele origin: germline. Affected: yes. Study: VKGL Data-share Consensus. Not counted in ClinVar's aggregate classification.